The following is an entry in ClinVar:

ClinVar aggregate classification (germline): Uncertain significance (1 of 4 stars; one submission).

Conditions:
Focal segmental glomerulosclerosis 5 (FSGS5). Identifiers: Orphanet 656, MedGen C2750475, MONDO:0013191, OMIM 613237.
Charcot-Marie-Tooth disease dominant intermediate E. Also called: CHARCOT-MARIE-TOOTH NEUROPATHY WITH FOCAL SEGMENTAL GLOMERULONEPHRITIS. Identifiers: Orphanet 93114, MedGen C4302667, MONDO:0013758, OMIM 614455.

Allele frequency attached by ClinVar (database versions not stated): gnomAD exomes below 0.00001.
gnomAD v4.1: 5 of 1,520,718 alleles (0.00033%); highest among the groups gnomAD compares: South Asian, 0.0013%; no homozygotes.

Submission:

Labcorp Genetics (formerly Invitae), Labcorp
Classification: Uncertain significance for Charcot-Marie-Tooth disease dominant intermediate E; Focal segmental glomerulosclerosis 5. Last evaluated: 2022-03-08. Review status: criteria provided, single submitter. Criteria: Invitae Variant Classification Sherloc (09022015). Collection method: clinical testing. Allele origin: germline.
Comment: In summary, the available evidence is currently insufficient to determine the role of this variant in disease. Therefore, it has been classified as a Variant of Uncertain Significance. Algorithms developed to predict the effect of missense changes on protein structure and function are either unavailable or do not agree on the potential impact of this missense change (SIFT: "Deleterious"; PolyPhen-2: "Probably Damaging"; Align-GVGD: "Class C0"). This variant has not been reported in the literature in individuals affected with INF2-related conditions. The frequency data for this variant in the population databases is considered unreliable, as metrics indicate poor data quality at this position in the gnomAD database. This sequence change replaces valine, which is neutral and non-polar, with methionine, which is neutral and non-polar, at codon 125 of the INF2 protein (p.Val125Met).

NM_022489.4(INF2):c.373G>A (p.Val125Met)

Gene: INF2 (inverted formin 2; plus strand). Cytogenetic location: 14q32.33.
Variant type: single nucleotide variant.
Coding change: c.373G>A on transcript NM_022489.4 (MANE Select); coding-DNA position 373, G replaced by A.
Protein change: p.Val125Met; replaces valine 125 with methionine.
Molecular consequence: missense variant.
Genome position (GRCh38, 1-based): chr14:104,701,738, G>A. VCF-style: chr14-104701738-G-A. GRCh37 (hg19) VCF-style: chr14-105168075-G-A.
Other names: c.373G>A, p.Val125Met (NM_001031714.4, NM_032714.3); short protein forms V125M.
Identifiers: ClinVar variation 1388658 (VCV001388658.8), dbSNP rs762621935, ClinGen allele CA7372273.